The following is an entry in ClinVar:

ClinVar aggregate classification (germline): Uncertain significance (1 of 4 stars; one submission).

gnomAD v4.1: 1 of 1,578,878 alleles (0.000063%); highest among the groups gnomAD compares: Admixed American, 0.002%; no homozygotes.

Submission:

GeneDx
Classification: Uncertain significance. Last evaluated: 2026-06-26. Review status: criteria provided, single submitter. Criteria: GeneDx Variant Classification Process June 2021. Collection method: clinical testing. Allele origin: germline.
Comment: Not observed at significant frequency in large population cohorts (gnomAD); In silico analysis supports that this missense variant has a deleterious effect on protein structure/function; Has not been previously published as pathogenic or benign to our knowledge

NM_033109.5(PNPT1):c.1208A>G (p.Glu403Gly)

Gene: PNPT1 (polyribonucleotide nucleotidyltransferase 1; minus strand). Cytogenetic location: 2p16.1.
Variant type: single nucleotide variant.
Coding change: c.1208A>G on transcript NM_033109.5 (MANE Select); coding-DNA position 1208, A replaced by G.
Protein change: p.Glu403Gly; replaces glutamic acid 403 with glycine.
Molecular consequence: missense variant.
Genome position (GRCh38, 1-based): chr2:55,661,995, T>C on the plus strand (A>G on the coding strand, the complement: PNPT1 is on the minus strand). VCF-style: chr2-55661995-T-C. GRCh37 (hg19) VCF-style: chr2-55889130-T-C.
Other names: short protein forms E403G.
Identifiers: ClinVar variation 4531109 (VCV004531109.2).